The following is an entry in ClinVar:

ClinVar aggregate classification (germline): Uncertain significance (1 of 4 stars; one submission).

Conditions:
Epidermolytic hyperkeratosis 1 (EHK1). Also called: BULLOUS ERYTHRODERMA ICHTHYOSIFORMIS CONGENITA OF BROCQ; BULLOUS CONGENITAL ICHTHYOSIFORM ERYTHRODERMA. Identifiers: MedGen C5781874, MONDO:0700249, OMIM 113800.
Palmoplantar keratoderma, epidermolytic, 2 (EPPK2). Also called: KERATOSIS OF GREITHER; GREITHER SYNDROME. Identifiers: MedGen C2936837, MONDO:0957303, OMIM 620411.
Ichthyosis, annular epidermolytic, 2 (AEI2). Identifiers: MedGen C5774264, MONDO:0859574, OMIM 620148.
Keratosis palmoplantaris striata 3 (PPKS3). Also called: KERATOSIS PALMOPLANTARIS STRIATA III; STRIATE PALMOPLANTAR KERATODERMA III; KERATODERMA, PALMOPLANTAR, STRIATE FORM III. Identifiers: MedGen C2931123, MONDO:0011881, OMIM 607654.
Diffuse nonepidermolytic palmoplantar keratoderma (NEPPK). Also called: Nonepidermolytic palmoplantar hyperkeratosis; Nonepidermolytic palmoplantar keratoderma. Identifiers: Orphanet 530838, MedGen C1833030, MONDO:0010962, OMIM 600962, HP:0007404.
Ichthyosis hystrix of Curth-Macklin. Also called: Ichthyosis histrix, curth-macklin type. Identifiers: Orphanet 79503, MedGen C1840296, MONDO:0007808, OMIM 146590.

Submission:

Juno Genomics, Hangzhou Juno Genomics, Inc
Classification: Uncertain significance for Epidermolytic hyperkeratosis 1; Palmoplantar keratoderma, epidermolytic, 2; Ichthyosis, annular epidermolytic, 2; Ichthyosis hystrix of Curth-Macklin; Keratosis palmoplantaris striata 3; Diffuse nonepidermolytic palmoplantar keratoderma. Review status: criteria provided, single submitter. Criteria: ACMG Guidelines, 2015. Collection method: clinical testing. Allele origin: germline.
Comment: Absent from controls (or at extremely low frequency if recessive) in Genome Aggregation Database.;Patient's phenotype or family history is highly specific for a disease with a single genetic etiology.

NM_006121.4(KRT1):c.1841_1842insT (p.Gly615fs)

Gene: KRT1 (keratin 1; minus strand). Cytogenetic location: 12q13.13.
Variant type: Insertion.
Coding change: c.1841_1842insT on transcript NM_006121.4 (MANE Select); coding-DNA positions 1841 to 1842, T inserted.
Protein change: p.Gly615fs; shifts the reading frame from glycine 615.
Molecular consequence: frameshift variant.
Genome position: GRCh38 VCF-style: chr12-52675286-T-TA. GRCh37 (hg19) VCF-style: chr12-53069070-T-TA.
Other names: short protein forms G615fs.
Identifiers: ClinVar variation 5005131 (VCV005005131.2).